The following is an entry in ClinVar:

NM_000548.5(TSC2):c.1476G>A (p.Gln492=)

Gene: TSC2 (TSC complex subunit 2; plus strand). Cytogenetic location: 16p13.3.
Variant type: single nucleotide variant.
Coding change: c.1476G>A on transcript NM_000548.5 (MANE Select); coding-DNA position 1476, G replaced by A.
Protein change: p.Gln492=; no amino-acid change (glutamine 492 retained).
Molecular consequence: synonymous variant.
Genome position (GRCh38, 1-based): chr16:2,064,304, G>A. VCF-style: chr16-2064304-G-A. GRCh37 (hg19) VCF-style: chr16-2114305-G-A.
Other names: c.1476G>A, p.Gln492= (NM_001077183.3, NM_001114382.3, NM_001363528.2 and 3 more transcripts); c.1365G>A, p.Gln455= (NM_001318827.2); c.1329G>A, p.Gln443= (NM_001318829.2); c.876G>A, p.Gln292= (NM_001318831.2); c.1509G>A, p.Gln503= (NM_001318832.2).
Identifiers: ClinVar variation 819289 (VCV000819289.7), dbSNP rs1596311941, ClinGen allele CA492962869.
Genomic context (GRCh38, chr16:2,064,304, plus strand): 5'-CTCATTGGCCTCCCTTGTGCCTGTGCAGGAGGAGCTGATTAACTCAGTGGTCATCTCGCA[G>A]CTCTCCCACATCCCCGAGGATAAAGACCACCAGGTCCGAAAGCTGGCCACCCAGTTGCTG-3'
Protein context (NP_000539.2, residues 482-502): EELINSVVIS[Gln492=]LSHIPEDKDH

ClinVar aggregate classification (germline): Benign/Likely benign. Review status: criteria provided, multiple submitters, no conflicts (2 of 4 stars). 3 submissions from 3 submitters: Benign (1); Likely benign (2). Last evaluated 2025-05-14.

Conditions:
Tuberous sclerosis 2 (TSC2). Identifiers: Orphanet 805, MedGen C1860707, MONDO:0013199, OMIM 613254.
Hereditary cancer-predisposing syndrome. Also called: Hereditary Cancer Syndrome; Neoplastic Syndromes, Hereditary; Hereditary neoplastic syndrome; Tumor predisposition. Identifiers: Orphanet 140162, MedGen C0027672, MeSH D009386, MONDO:0015356.

Submissions (3):

Myriad Genetics, Inc.
Classification: Benign for Tuberous sclerosis 2. Last evaluated: 2025-05-14. Review status: criteria provided, single submitter. Criteria: Myriad Autosomal Dominant, Autosomal Recessive and X-Linked Classification Criteria (2023). Collection method: clinical testing. Allele origin: unknown.
Comment: This variant is considered benign. This variant is a silent/synonymous amino acid change and it is not expected to impact splicing.

Labcorp Genetics (formerly Invitae), Labcorp
Classification: Likely benign for Tuberous sclerosis 2. Last evaluated: 2024-06-10. Review status: criteria provided, single submitter. Criteria: Invitae Variant Classification Sherloc (09022015). Collection method: clinical testing. Allele origin: germline.

Ambry Genetics
Classification: Likely benign for Hereditary cancer-predisposing syndrome. Last evaluated: 2019-10-15. Review status: criteria provided, single submitter. Criteria: Ambry Variant Classification Scheme 2023. Collection method: clinical testing. Allele origin: germline.